The following is an entry in ClinVar:

NM_001113378.2(FANCI):c.91A>G (p.Asn31Asp)

Gene: FANCI (FA complementation group I; plus strand). Cytogenetic location: 15q26.1.
Variant type: single nucleotide variant.
Coding change: c.91A>G on transcript NM_001113378.2 (MANE Select); coding-DNA position 91, A replaced by G.
Protein change: p.Asn31Asp; replaces asparagine 31 with aspartic acid.
Molecular consequence: missense variant. On other transcripts: 5 prime UTR variant (1).
Genome position (GRCh38, 1-based): chr15:89,258,710, A>G. VCF-style: chr15-89258710-A-G. GRCh37 (hg19) VCF-style: chr15-89801941-A-G.
Other names: c.-189A>G (NM_001376910.1); c.91A>G, p.Asn31Asp (NM_001376911.1, NM_018193.3); short protein forms N31D.
Identifiers: ClinVar variation 1337943 (VCV001337943.4), dbSNP rs2151219666, ClinGen allele CA393737320.

ClinVar aggregate classification (germline): Uncertain significance (1 of 4 stars; one submission).

gnomAD v4.1: 3 of 1,613,088 alleles (0.00019%); highest among the groups gnomAD compares: African/African-American, 0.0027%; no homozygotes.

Submission:

Genetic Services Laboratory, University of Chicago
Classification: Uncertain significance. Last evaluated: 2021-05-24. Review status: criteria provided, single submitter. Criteria: ACMG Guidelines, 2015. Collection method: clinical testing. Allele origin: germline. Affected: no.
Comment: DNA sequence analysis of the FANCI gene demonstrated a sequence change, c.91A>G, in exon 3 that results in an amino acid change, p.Asn31Asp. This sequence change is absent from known population databases (gnomAD). The p.Asn31Asp change affects a poorly conserved amino acid residue located in a domain of the FANCI protein that is not known to be functional. The p.Asn31Asp substitution appears to be tolerated using several in-silico pathogenicity prediction tools (SIFT, PolyPhen2, Align GVGD, REVEL). This sequence change does not appear to have been previously described in patients with FANCI-related disorders. Due to the lack of sufficient evidences, the clinical significance of the p.Asn31Asp change remains unknown at this time.